The following is an entry in ClinVar:

NM_020247.5(COQ8A):c.993C>T (p.Phe331=)

Gene: COQ8A (coenzyme Q8A; plus strand). Cytogenetic location: 1q42.13.
Variant type: single nucleotide variant.
Coding change: c.993C>T on transcript NM_020247.5 (MANE Select); coding-DNA position 993, C replaced by T.
Protein change: p.Phe331=; no amino-acid change (phenylalanine 331 retained).
Molecular consequence: synonymous variant.
Genome position (GRCh38, 1-based): chr1:226,982,947, C>T. VCF-style: chr1-226982947-C-T. GRCh37 (hg19) VCF-style: chr1-227170648-C-T.
Other names: p.F331F:TTC>TTT.
Identifiers: ClinVar variation 3645 (VCV000003645.81), dbSNP rs41303129, ClinGen allele CA116409.

ClinVar aggregate classification (germline): Benign/Likely benign. Review status: criteria provided, multiple submitters, no conflicts (2 of 4 stars). 20 submissions from 20 submitters: Benign (12); Likely benign (2). 6 of the submissions do not count toward it. Last evaluated 2026-10-01.

Conditions:
Coenzyme Q10 deficiency. Also called: Coenzyme Q10 deficiency, primary. Identifiers: Orphanet 35656, MedGen C1843920, MONDO:0018151.
Joubert syndrome 17 (JBTS17). Identifiers: Orphanet 475, MedGen C3553264, MONDO:0013824, OMIM 614615.
Autosomal recessive ataxia due to ubiquinone deficiency. Also called: SPINOCEREBELLAR ATAXIA, AUTOSOMAL RECESSIVE 9; Coenzyme Q10 deficiency, primary, 4. Identifiers: Orphanet 139485, MedGen C2677589, MONDO:0012784, OMIM 612016.

Allele frequency attached by ClinVar (database versions not stated): TOPMed 0.01261; 1000 Genomes Project 0.00559; 1000 Genomes Project 30x 0.00562; gnomAD exomes 0.01566; gnomAD 0.01379 and 0.01390; ExAC 0.02091; ESP Exome Variant Server 0.01500.
gnomAD v4.1: 30,448 of 1,609,616 alleles (1.9%); highest among the groups gnomAD compares: Non-Finnish European, 2.2%; 361 homozygotes.

Submissions (20):

CeGaT Center for Human Genetics Tuebingen
Classification: Benign. Last evaluated: 2026-10-01. Review status: criteria provided, single submitter. Criteria: CeGaT Center For Human Genetics Tuebingen Variant Classification Criteria Version 2. Collection method: clinical testing. Allele origin: germline. Affected: yes. Observed: 86 variant alleles.
Comment: COQ8A: BP4, BP7, BS1, BS2

Labcorp Genetics (formerly Invitae), Labcorp
Classification: Benign. Last evaluated: 2026-02-02. Review status: criteria provided, single submitter. Criteria: Invitae Variant Classification Sherloc (09022015). Collection method: clinical testing. Allele origin: germline.

Blueprint Genetics
Classification: Likely benign. Last evaluated: 2024-11-26. Review status: criteria provided, single submitter. Criteria: ACMG Guidelines, 2015. Collection method: clinical testing. Allele origin: germline.

Athena Diagnostics
Classification: Benign. Last evaluated: 2023-12-13. Review status: criteria provided, single submitter. Criteria: Athena Diagnostics Criteria. Collection method: clinical testing. Allele origin: unknown.

ARUP Laboratories, Molecular Genetics and Genomics, ARUP Laboratories
Classification: Benign for Autosomal recessive ataxia due to ubiquinone deficiency. Last evaluated: 2023-06-28. Review status: criteria provided, single submitter. Criteria: ARUP Molecular Germline Variant Investigation Process 2024. Collection method: clinical testing. Allele origin: germline.

Molecular Genetics, Royal Melbourne Hospital
Classification: Benign for Coenzyme Q10 deficiency. Last evaluated: 2023-06-06. Review status: criteria provided, single submitter. Criteria: ACMG Guidelines, 2015. Collection method: clinical testing. Allele origin: germline. Inheritance: Autosomal recessive inheritance. Affected: no.

Fulgent Genetics
Classification: Benign for Autosomal recessive ataxia due to ubiquinone deficiency. Last evaluated: 2021-07-20. Review status: criteria provided, single submitter. Criteria: ACMG Guidelines, 2015. Collection method: clinical testing. Allele origin: unknown.

GeneDx
Classification: Benign. Last evaluated: 2018-12-04. Review status: criteria provided, single submitter. Criteria: GeneDx Variant Classification Process June 2021. Collection method: clinical testing. Allele origin: germline. Affected: yes.
Comment: This variant is associated with the following publications: (PMID: 26764160, 27884173, 27535533, 18319074, 32337771)

Illumina Laboratory Services, Illumina
Classification: Benign for Autosomal recessive ataxia due to ubiquinone deficiency. Last evaluated: 2018-03-06. Review status: criteria provided, single submitter. Criteria: ICSL Variant Classification Criteria 13 December 2019. Collection method: clinical testing. Allele origin: germline.
Comment: This variant was observed in the ICSL laboratory as part of a predisposition screen in an ostensibly healthy population. It had not been previously curated by ICSL or reported in the Human Gene Mutation Database (HGMD: prior to June 1st, 2018), and was therefore a candidate for classification through an automated scoring system. Utilizing variant allele frequency, disease prevalence and penetrance estimates, and inheritance mode, an automated score was calculated to assess if this variant is too frequent to cause the disease. Based on the score and internal cut-off values, a variant classified as benign is not then subjected to further curation. The score for this variant resulted in a classification of benign for this disease.

Laboratory for Molecular Medicine, Mass General Brigham Personalized Medicine
Classification: Benign. Last evaluated: 2016-03-29. Review status: criteria provided, single submitter. Criteria: LMM Criteria. Collection method: clinical testing. Allele origin: germline.
Comment: Variant identified in a genome or exome case(s) and assessed due to predicted null impact of the variant or pathogenic assertions in the literature or databases. Disclaimer: This variant has not undergone full assessment. The following are preliminary notes: frequency in ExAC 2.8% in european population with (24 homozygotes). Also Benign in Clinvar (by GeneDx and Emory)

Genomic Diagnostic Laboratory, Division of Genomic Diagnostics, Children's Hospital of Philadelphia
Classification: Benign. Last evaluated: 2015-04-12. Review status: criteria provided, single submitter. Criteria: DGD Variant Analysis Guidelines. Collection method: clinical testing. Allele origin: unknown.

Eurofins Ntd Llc (ga)
Classification: Benign. Last evaluated: 2014-12-17. Review status: criteria provided, single submitter. Criteria: EGL Classification Definitions 2015. Collection method: clinical testing. Allele origin: germline. Observed: 1 variant allele, 1 heterozygote.

Breakthrough Genomics
Classification: Likely benign. Review status: criteria provided, single submitter. Criteria: ACMG Guidelines, 2015. Collection method: not provided. Allele origin: germline. Inheritance: Autosomal recessive inheritance. Affected: yes.

Broad Center for Mendelian Genomics, Broad Institute of MIT and Harvard
Classification: Benign for Joubert syndrome 17. Review status: criteria provided, single submitter. Criteria: ACMG Guidelines, 2015. Collection method: research. Allele origin: germline. Inheritance: Autosomal recessive inheritance. Affected: yes.
Comment: In vitro functional studies provide some evidence that the c.993C>T variant may not impact protein function (PMID: 18319074). However, these types of assays may not accurately represent biological function. In summary, this variant meets criteria to be classified as benign for autosomal recessive ubiquinone deficiency with cerebellar ataxia.

Mayo Clinic Laboratories, Mayo Clinic
Classification: Benign. Last evaluated: 2016-02-25. Review status: no assertion criteria provided. Collection method: clinical testing. Allele origin: unknown. Not counted in ClinVar's aggregate classification.

OMIM
Classification: Pathogenic for COENZYME Q10 DEFICIENCY, PRIMARY, 4. Last evaluated: 2008-03-01. Review status: no assertion criteria provided. Collection method: literature only. Allele origin: germline. Not counted in ClinVar's aggregate classification.

Clinical Genetics, Academic Medical Center
Classification: Benign. Review status: no assertion criteria provided. Collection method: clinical testing. Allele origin: germline. Affected: yes. Study: VKGL Data-share Consensus. Not counted in ClinVar's aggregate classification.

Diagnostic Laboratory, Department of Genetics, University Medical Center Groningen
Classification: Benign. Review status: no assertion criteria provided. Collection method: clinical testing. Allele origin: germline. Affected: yes. Study: VKGL Data-share Consensus. Not counted in ClinVar's aggregate classification.

GeneReviews
No classification provided. Condition: Autosomal recessive ataxia due to ubiquinone deficiency. Review status: no classification provided. Collection method: literature only. Allele origin: germline. Not counted in ClinVar's aggregate classification.
Comment: Causes the skipping of exon 8 leading to an in-frame deletion of 47 amino acids (p.Lys314_Gln360del) .

Genome Diagnostics Laboratory, University Medical Center Utrecht
Classification: Likely benign. Review status: no assertion criteria provided. Collection method: clinical testing. Allele origin: germline. Affected: yes. Study: VKGL Data-share Consensus. Not counted in ClinVar's aggregate classification.

Literature cited by the submitters: PubMed 32337771 (cited by Athena Diagnostics); PubMed 27884173 (cited by Athena Diagnostics); PubMed 26764160 (cited by Athena Diagnostics); PubMed 19440741 (cited by Athena Diagnostics); PubMed 27535533 (cited by Athena Diagnostics); PubMed 18319074 (cited by 3 submitters); NCBI Bookshelf NBK410087 (cited by GeneReviews).